The following is an entry in ClinVar:

ClinVar aggregate classification (germline): Uncertain significance (1 of 4 stars; one submission).

Allele frequency attached by ClinVar (database versions not stated): gnomAD exomes below 0.00001; ExAC 0.00001; gnomAD 0.00001; TOPMed 0.00001; 1000 Genomes Project 30x 0.00016; 1000 Genomes Project 0.00020.
gnomAD v4.1: 3 of 1,614,162 alleles (0.00019%); highest among the groups gnomAD compares: Middle Eastern, 0.016%; no homozygotes.

Submission:

Labcorp Genetics (formerly Invitae), Labcorp
Classification: Uncertain significance. Last evaluated: 2022-07-05. Review status: criteria provided, single submitter. Criteria: Invitae Variant Classification Sherloc (09022015). Collection method: clinical testing. Allele origin: germline.
Comment: This variant has not been reported in the literature in individuals affected with TRAPPC9-related conditions. In summary, the available evidence is currently insufficient to determine the role of this variant in disease. Therefore, it has been classified as a Variant of Uncertain Significance. Algorithms developed to predict the effect of missense changes on protein structure and function are either unavailable or do not agree on the potential impact of this missense change (SIFT: "Not Available"; PolyPhen-2: "Probably Damaging"; Align-GVGD: "Not Available"). This variant is present in population databases (rs551977215, gnomAD 0.007%). This sequence change replaces valine, which is neutral and non-polar, with methionine, which is neutral and non-polar, at codon 1040 of the TRAPPC9 protein (p.Val1040Met).

NM_001160372.4(TRAPPC9):c.2824G>A (p.Val942Met)

Gene: TRAPPC9 (trafficking protein particle complex subunit 9; minus strand). Cytogenetic location: 8q24.3.
Variant type: single nucleotide variant.
Coding change: c.2824G>A on transcript NM_001160372.4 (MANE Select); coding-DNA position 2824, G replaced by A.
Protein change: p.Val942Met; replaces valine 942 with methionine.
Molecular consequence: missense variant. On other transcripts: non-coding transcript variant (1).
Genome position (GRCh38, 1-based): chr8:139,910,287, C>T on the plus strand (G>A on the coding strand, the complement: TRAPPC9 is on the minus strand). VCF-style: chr8-139910287-C-T. GRCh37 (hg19) VCF-style: chr8-140922531-C-T.
Other names: c.2797G>A, p.Val933Met (NM_001321646.2); c.2845G>A, p.Val949Met (NM_001374682.1); c.2713G>A, p.Val905Met (NM_001374683.1); c.2680G>A, p.Val894Met (NM_001374684.1); c.2824G>A, p.Val942Met (NM_031466.8); short protein forms V905M, V942M, V894M, V933M, V949M.
Identifiers: ClinVar variation 2185813 (VCV002185813.2), dbSNP rs551977215, ClinGen allele CA4892903.